The following is an entry in ClinVar:

ClinVar aggregate classification (germline): Uncertain significance. Review status: criteria provided, multiple submitters, no conflicts (2 of 4 stars). 2 submissions from 2 submitters: Uncertain significance (2). Last evaluated 2022-03-18.

Conditions:
Alstrom syndrome (ALMS). Identifiers: Orphanet 64, MedGen C0268425, MONDO:0008763, OMIM 203800.

Allele frequency attached by ClinVar (database versions not stated): gnomAD 0.00001.
gnomAD v4.1: 1 of 1,613,446 alleles (0.000062%); highest among the groups gnomAD compares: African/African-American, 0.0013%; no homozygotes.

Submissions (2):

Labcorp Genetics (formerly Invitae), Labcorp
Classification: Uncertain significance for Alstrom syndrome. Last evaluated: 2022-03-18. Review status: criteria provided, single submitter. Criteria: Invitae Variant Classification Sherloc (09022015). Collection method: clinical testing. Allele origin: germline.
Comment: This sequence change replaces glutamine, which is neutral and polar, with arginine, which is basic and polar, at codon 3889 of the ALMS1 protein (p.Gln3889Arg). This variant is not present in population databases (gnomAD no frequency). This variant has not been reported in the literature in individuals affected with ALMS1-related conditions. Experimental studies and prediction algorithms are not available or were not evaluated, and the functional significance of this variant is currently unknown. In summary, the available evidence is currently insufficient to determine the role of this variant in disease. Therefore, it has been classified as a Variant of Uncertain Significance.

Fulgent Genetics
Classification: Uncertain significance for Alstrom syndrome. Last evaluated: 2022-02-19. Review status: criteria provided, single submitter. Criteria: ACMG Guidelines, 2015. Collection method: clinical testing. Allele origin: unknown.

NM_001378454.1(ALMS1):c.11663A>G (p.Gln3888Arg)

Gene: ALMS1 (ALMS1 centrosome and basal body associated protein; plus strand). Cytogenetic location: 2p13.1.
Variant type: single nucleotide variant.
Coding change: c.11663A>G on transcript NM_001378454.1 (MANE Select); coding-DNA position 11663, A replaced by G.
Protein change: p.Gln3888Arg; replaces glutamine 3888 with arginine.
Molecular consequence: missense variant.
Genome position (GRCh38, 1-based): chr2:73,599,516, A>G. VCF-style: chr2-73599516-A-G. GRCh37 (hg19) VCF-style: chr2-73826643-A-G.
Other names: c.11666A>G, p.Gln3889Arg (NM_015120.4); short protein forms Q3889R, Q3888R.
Identifiers: ClinVar variation 1497231 (VCV001497231.6), dbSNP rs1675626491, ClinGen allele CA347263191.